The following is an entry in ClinVar:

NM_001190274.2(FBXO11):c.714G>C (p.Gln238His)

Gene: FBXO11 (F-box protein 11; minus strand). Cytogenetic location: 2p16.3.
Variant type: single nucleotide variant.
Coding change: c.714G>C on transcript NM_001190274.2 (MANE Select); coding-DNA position 714, G replaced by C.
Protein change: p.Gln238His; replaces glutamine 238 with histidine.
Molecular consequence: missense variant.
Genome position (GRCh38, 1-based): chr2:47,835,875, C>G on the plus strand (G>C on the coding strand, the complement: FBXO11 is on the minus strand). VCF-style: chr2-47835875-C-G. GRCh37 (hg19) VCF-style: chr2-48063014-C-G.
Other names: c.462G>C, p.Gln154His (NM_001374325.1, NM_025133.4); short protein forms Q238H, Q154H.
Identifiers: ClinVar variation 3652023 (VCV003652023.2).

ClinVar aggregate classification (germline): Uncertain significance (1 of 4 stars; one submission).

Submission:

Labcorp Genetics (formerly Invitae), Labcorp
Classification: Uncertain significance. Last evaluated: 2024-07-06. Review status: criteria provided, single submitter. Criteria: Invitae Variant Classification Sherloc (09022015). Collection method: clinical testing. Allele origin: germline.
Comment: This sequence change replaces glutamine, which is neutral and polar, with histidine, which is basic and polar, at codon 238 of the FBXO11 protein (p.Gln238His). This variant is not present in population databases (gnomAD no frequency). This variant has not been reported in the literature in individuals affected with FBXO11-related conditions. An algorithm developed to predict the effect of missense changes on protein structure and function (PolyPhen-2) suggests that this variant is likely to be disruptive. In summary, the available evidence is currently insufficient to determine the role of this variant in disease. Therefore, it has been classified as a Variant of Uncertain Significance.